The following is an entry in ClinVar:

NM_004844.5(SH3BP5):c.1020G>A (p.Ala340=)

Genes: SH3BP5 (SH3 domain binding protein 5; minus strand), SH3BP5-AS1 (SH3BP5 antisense RNA 1; plus strand). Cytogenetic location: 3p25.1.
Variant type: single nucleotide variant.
Coding change: c.1020G>A on transcript NM_004844.5 (MANE Select); coding-DNA position 1020, G replaced by A.
Protein change: p.Ala340=; no amino-acid change (alanine 340 retained).
Molecular consequence: synonymous variant. On other transcripts: non-coding transcript variant (1).
Genome position (GRCh38, 1-based): chr3:15,256,983, C>T on the plus strand (G>A on the coding strand, the complement: SH3BP5 is on the minus strand). VCF-style: chr3-15256983-C-T. GRCh37 (hg19) VCF-style: chr3-15298490-C-T.
Other names: c.549G>A, p.Ala183= (NM_001018009.4).
Identifiers: ClinVar variation 4873257 (VCV004873257.2).

ClinVar aggregate classification (germline): Likely benign (1 of 4 stars; one submission).

gnomAD v4.1: 56 of 1,614,074 alleles (0.0035%); highest among the groups gnomAD compares: African/African-American, 0.0053%; no homozygotes.

Submission:

CeGaT Center for Human Genetics Tuebingen
Classification: Likely benign. Last evaluated: 2026-05-01. Review status: criteria provided, single submitter. Criteria: CeGaT Center For Human Genetics Tuebingen Variant Classification Criteria Version 2. Collection method: clinical testing. Allele origin: germline. Affected: yes. Observed: 1 variant allele.
Comment: SH3BP5: BP4, BP7